The following is an entry in ClinVar:

NM_032482.3(DOT1L):c.4353_4373del (p.Gly1452_Ala1458del)

Gene: DOT1L (DOT1 like histone lysine methyltransferase; plus strand). Cytogenetic location: 19p13.3.
Variant type: Deletion.
Coding change: c.4353_4373del on transcript NM_032482.3 (MANE Select); coding-DNA positions 4353 to 4373, 21 bases deleted (AGGCGGCGCGGCGTCCTCCGC).
Protein change: p.Gly1452_Ala1458del.
Molecular consequence: inframe deletion.
Genome position (GRCh38, 1-based): chr19:2,226,874-2,226,894, AGGCGGCGCGGCGTCCTCCGC deleted; deleting any 21 consecutive bases within chr19:2,226,860-2,226,894 gives the same sequence; the c. name uses the placement nearest the transcript's 3' end. VCF-style (leftmost placement, unchanged base first): chr19-2226859-GGCGGCGTCCTCCGCAGGCGGC-G. GRCh37 (hg19) VCF-style: chr19-2226858-GGCGGCGTCCTCCGCAGGCGGC-G.
Other names: c.4353_4373del, p.Gly1452_Ala1458del (NM_001411141.1).
Identifiers: ClinVar variation 4533709 (VCV004533709.6).

ClinVar aggregate classification (germline): Likely benign (1 of 4 stars; one submission).

Submission:

CeGaT Center for Human Genetics Tuebingen
Classification: Likely benign. Last evaluated: 2025-11-01. Review status: criteria provided, single submitter. Criteria: CeGaT Center For Human Genetics Tuebingen Variant Classification Criteria Version 2. Collection method: clinical testing. Allele origin: germline. Affected: yes. Observed: 1 variant allele.
Comment: DOT1L: PM4, BS1, BS2